The following is an entry in ClinVar:

ClinVar aggregate classification (germline): Uncertain significance (1 of 4 stars; one submission).

Conditions:
Multiple congenital anomalies-hypotonia-seizures syndrome 1 (MCAHS1). Also called: PIGN-CDG; Congenital disorder of glycosylation due to PIGN deficiency; GLYCOSYLPHOSPHATIDYLINOSITOL BIOSYNTHESIS DEFECT 3. Identifiers: Orphanet 280633, MedGen C3279775, MONDO:0013563, OMIM 614080.

Allele frequency attached by ClinVar (database versions not stated): gnomAD 0.00001.

Submission:

Labcorp Genetics (formerly Invitae), Labcorp
Classification: Uncertain significance for Multiple congenital anomalies-hypotonia-seizures syndrome 1. Last evaluated: 2021-08-24. Review status: criteria provided, single submitter. Criteria: Invitae Variant Classification Sherloc (09022015). Collection method: clinical testing. Allele origin: germline.
Comment: This sequence change replaces valine with alanine at codon 815 of the PIGN protein (p.Val815Ala). The valine residue is moderately conserved and there is a small physicochemical difference between valine and alanine. This variant is not present in population databases (ExAC no frequency). This variant has not been reported in the literature in individuals affected with PIGN-related conditions. Algorithms developed to predict the effect of missense changes on protein structure and function are either unavailable or do not agree on the potential impact of this missense change (SIFT: "Tolerated"; PolyPhen-2: "Probably Damaging"; Align-GVGD: "Class C0"). In summary, the available evidence is currently insufficient to determine the role of this variant in disease. Therefore, it has been classified as a Variant of Uncertain Significance.

NM_176787.5(PIGN):c.2444T>C (p.Val815Ala)

Gene: PIGN (phosphatidylinositol glycan anchor biosynthesis class N; minus strand). Cytogenetic location: 18q21.33.
Variant type: single nucleotide variant.
Coding change: c.2444T>C on transcript NM_176787.5 (MANE Select); coding-DNA position 2444, T replaced by C.
Protein change: p.Val815Ala; replaces valine 815 with alanine.
Molecular consequence: missense variant.
Genome position (GRCh38, 1-based): chr18:62,084,589, A>G on the plus strand (T>C on the coding strand, the complement: PIGN is on the minus strand). VCF-style: chr18-62084589-A-G. GRCh37 (hg19) VCF-style: chr18-59751822-A-G.
Other names: c.2444T>C, p.Val815Ala (NM_012327.6); short protein forms V815A.
Identifiers: ClinVar variation 856457 (VCV000856457.7), dbSNP rs2033602960, ClinGen allele CA402601381.